The following is an entry in ClinVar:

NM_022051.2(EGLN1):c.-2709C>T

Gene: EGLN1 (egl-9 family hypoxia inducible factor 1; minus strand). Cytogenetic location: 1q42.2.
Variant type: single nucleotide variant.
Coding change: c.-2709C>T on transcript NM_022051.2; 2709 bases upstream of the start codon, C replaced by T.
Genome position (GRCh38, 1-based): chr1:231,424,597, G>A on the plus strand (C>T on the coding strand, the complement: EGLN1 is on the minus strand). VCF-style: chr1-231424597-G-A. GRCh37 (hg19) VCF-style: chr1-231560343-G-A.
Identifiers: ClinVar variation 876266 (VCV000876266.6), dbSNP rs373140957, ClinGen allele CA38951711.

ClinVar aggregate classification (germline): Benign (1 of 4 stars; one submission).

Conditions:
Erythrocytosis, familial, 3 (ECYT3). Identifiers: Orphanet 247511, MedGen C1853286, MONDO:0012353, OMIM 609820.

Allele frequency attached by ClinVar (database versions not stated): 1000 Genomes Project 30x 0.00109; gnomAD 0.00292 and 0.00263; 1000 Genomes Project 0.00140; TOPMed 0.00297.

Submission:

Illumina Laboratory Services, Illumina
Classification: Benign for Erythrocytosis, familial, 3. Last evaluated: 2018-01-12. Review status: criteria provided, single submitter. Criteria: ICSL Variant Classification Criteria 13 December 2019. Collection method: clinical testing. Allele origin: germline.
Comment: This variant was observed in the ICSL laboratory as part of a predisposition screen in an ostensibly healthy population. It had not been previously curated by ICSL or reported in the Human Gene Mutation Database (HGMD: prior to June 1st, 2018), and was therefore a candidate for classification through an automated scoring system. Utilizing variant allele frequency, disease prevalence and penetrance estimates, and inheritance mode, an automated score was calculated to assess if this variant is too frequent to cause the disease. Based on the score and internal cut-off values, a variant classified as benign is not then subjected to further curation. The score for this variant resulted in a classification of benign for this disease.